The following is an entry in ClinVar:

ClinVar aggregate classification (germline): Likely benign. Review status: criteria provided, multiple submitters, no conflicts (2 of 4 stars). 4 submissions from 4 submitters: Likely benign (4). Last evaluated 2023-12-19.

Conditions:
Cardiovascular phenotype. Identifiers: MedGen CN230736.
Familial hypercholesterolemia. Also called: Familial hypercholesterolemias; Familial hypercholesterolaemia. Identifiers: MedGen C0020445, MONDO:0005439.
Hypercholesterolemia, autosomal dominant, 3 (FHCL3). Also called: Familial Hypercholesterolemia, Autosomal Dominant, 3; PCSK9-Related Familial Hypercholesterolemia, Autosomal Dominant; Familial hypercholesterolemia 3. Identifiers: MedGen C1863551, MONDO:0011369, OMIM 603776.

gnomAD v4.1: 2 of 1,614,126 alleles (0.00012%); highest among the groups gnomAD compares: Non-Finnish European, 0.00017%; no homozygotes.

Submissions (4):

GENinCode PLC
Classification: Likely benign for Familial hypercholesterolemia. Last evaluated: 2023-12-19. Review status: criteria provided, single submitter. Criteria: ACMG Guidelines, 2015. Collection method: clinical testing. Allele origin: germline.
Comment: This is a synonymous (silent) variant that is not predicted by SpliceAI to impact splicing. In addition, it occurs at a nucleotide that is not conserved. Therefore this variant has been classified as Likely Benign (BP4, BP7).

All of Us Research Program, National Institutes of Health
Classification: Likely benign for Hypercholesterolemia, autosomal dominant, 3. Last evaluated: 2023-11-30. Review status: criteria provided, single submitter. Criteria: ACMG Guidelines, 2015. Collection method: clinical testing. Allele origin: germline. Inheritance: Autosomal dominant inheritance. Observed: 1 variant allele, 1 heterozygote.
Comment: This study involves interpretation of variants in research participants for the purpose of population health screening. Participant phenotype was not available at the time of variant classification. Additional details can be found in publication PMID: 35346344, PMCID: PMC8962531

Ambry Genetics
Classification: Likely benign for Cardiovascular phenotype. Last evaluated: 2021-06-03. Review status: criteria provided, single submitter. Criteria: Ambry Variant Classification Scheme 2023. Collection method: clinical testing. Allele origin: germline.

PreventionGenetics, part of Exact Sciences
Classification: Likely benign. Review status: criteria provided, single submitter. Criteria: ACMG Guidelines, 2015. Collection method: clinical testing. Allele origin: germline.

NM_174936.4(PCSK9):c.486C>G (p.Thr162=)

Gene: PCSK9 (proprotein convertase subtilisin/kexin type 9; plus strand). Cytogenetic location: 1p32.3.
Variant type: single nucleotide variant.
Coding change: c.486C>G on transcript NM_174936.4 (MANE Select); coding-DNA position 486, C replaced by G.
Protein change: p.Thr162=; no amino-acid change (threonine 162 retained).
Molecular consequence: synonymous variant.
Genome position (GRCh38, 1-based): chr1:55,046,609, C>G. VCF-style: chr1-55046609-C-G. GRCh37 (hg19) VCF-style: chr1-55512282-C-G.
Identifiers: ClinVar variation 262905 (VCV000262905.6), dbSNP rs886038747, ClinGen allele CA10586741.